The following is an entry in ClinVar:

NM_001379200.1(TBX1):c.477G>C (p.Met159Ile)

Gene: TBX1 (T-box transcription factor 1; plus strand). Cytogenetic location: 22q11.21.
Variant type: single nucleotide variant.
Coding change: c.477G>C on transcript NM_001379200.1 (MANE Select); coding-DNA position 477, G replaced by C.
Protein change: p.Met159Ile; replaces methionine 159 with isoleucine.
Molecular consequence: missense variant.
Genome position (GRCh38, 1-based): chr22:19,763,280, G>C. VCF-style: chr22-19763280-G-C. GRCh37 (hg19) VCF-style: chr22-19750803-G-C.
Other names: c.450G>C, p.Met150Ile (NM_005992.1, NM_080646.2, NM_080647.1); short protein forms M150I, M159I.
Identifiers: ClinVar variation 3373268 (VCV003373268.2).
Genomic context (GRCh38, chr22:19,763,280, plus strand): 5'-CCAAGGCCTCATCACCCCCAGGCGGATGTTTCCCACCTTCCAAGTGAAGCTCTTCGGCAT[G>C]GATCCCATGGCCGACTATATGCTGCTCATGGACTTCGTGCCGGTGGACGATAAGCGCTAC-3'
Protein context (NP_001366129.1, residues 149-169): FPTFQVKLFG[Met159Ile]DPMADYMLLM

ClinVar aggregate classification (germline): Uncertain significance (1 of 4 stars; one submission).

Conditions:
DiGeorge syndrome. Also called: Catch22; THIRD AND FOURTH PHARYNGEAL POUCH SYNDROME. Identifiers: Orphanet 567, MedGen C0012236, MONDO:0008564, OMIM 188400.
Velocardiofacial syndrome (VCFS). Also called: Shprintzen syndrome; SHPRINTZEN VCF SYNDROME; VCF SYNDROME. Identifiers: Orphanet 567, MedGen C0220704, MONDO:0008644, OMIM 192430. Disease mechanism: loss of function.

Submission:

GeneDx
Classification: Uncertain significance. Last evaluated: 2024-05-04. Review status: criteria provided, single submitter. Criteria: GeneDx Variant Classification Process June 2021. Collection method: clinical testing. Allele origin: germline. Affected: yes.
Comment: Not observed at significant frequency in large population cohorts (gnomAD); In silico analysis indicates that this missense variant does not alter protein structure/function; Has not been previously published as pathogenic or benign to our knowledge